The following is an entry in ClinVar:

NM_002860.4(ALDH18A1):c.184G>A (p.Ala62Thr)

Gene: ALDH18A1 (aldehyde dehydrogenase 18 family member A1; minus strand). Cytogenetic location: 10q24.1.
Variant type: single nucleotide variant.
Coding change: c.184G>A on transcript NM_002860.4 (MANE Select); coding-DNA position 184, G replaced by A.
Protein change: p.Ala62Thr; replaces alanine 62 with threonine.
Molecular consequence: missense variant. On other transcripts: intron variant (4).
Genome position (GRCh38, 1-based): chr10:95,643,111, C>T on the plus strand (G>A on the coding strand, the complement: ALDH18A1 is on the minus strand). VCF-style: chr10-95643111-C-T. GRCh37 (hg19) VCF-style: chr10-97402868-C-T.
Other names: c.-30-5675G>A (NM_001323412.2, NM_001323418.2, NM_001323416.2); c.184G>A, p.Ala62Thr (NM_001017423.2, NM_001323413.2, NM_001323414.2 and 2 more transcripts); c.-78-9462G>A (NM_001323419.2); short protein forms A62T.
Identifiers: ClinVar variation 4782918 (VCV004782918.1).
Genomic context (GRCh38, chr10:95,643,111, plus strand): 5'-CCACGGCACTGCCGAGCTTCACCACGATTCTCTTGGCATGCTTCAGCTCACTGCGGTGGG[C>T]GAAGGACTTGCCATGTGTACGACTGAGGGGTACAGTGATAAACGGGATGTTGCTCCAAGA-3'
Protein context (NP_002851.2, residues 52-72): PLSRTHGKSF[Ala62Thr]HRSELKHAKR

ClinVar aggregate classification (germline): Uncertain significance (1 of 4 stars; one submission).

Conditions:
Cutis laxa, autosomal dominant 3 (ADCL3). Identifiers: Orphanet 90348, MedGen C4225268, MONDO:0014706, OMIM 616603.
Autosomal dominant spastic paraplegia type 9. Identifiers: MedGen C1832669, MONDO:0015091.
de Barsy syndrome. Also called: Cutis laxa-corneal clouding-oligophrenia syndrome. Identifiers: Orphanet 2962, MedGen C0268354, MONDO:0017569.

gnomAD v4.1: 6 of 1,614,162 alleles (0.00037%); highest among the groups gnomAD compares: Admixed American, 0.0017%; no homozygotes.

Submission:

Labcorp Genetics (formerly Invitae), Labcorp
Classification: Uncertain significance for Autosomal dominant spastic paraplegia type 9; de Barsy syndrome; Cutis laxa, autosomal dominant 3. Last evaluated: 2025-05-19. Review status: criteria provided, single submitter. Criteria: Invitae Variant Classification Sherloc (09022015). Collection method: clinical testing. Allele origin: germline.
Comment: This sequence change replaces alanine, which is neutral and non-polar, with threonine, which is neutral and polar, at codon 62 of the ALDH18A1 protein (p.Ala62Thr). This variant is present in population databases (no rsID available, gnomAD 0.003%). This variant has not been reported in the literature in individuals affected with ALDH18A1-related conditions. Invitae Evidence Modeling of protein sequence and biophysical properties (such as structural, functional, and spatial information, amino acid conservation, physicochemical variation, residue mobility, and thermodynamic stability) indicates that this missense variant is not expected to disrupt ALDH18A1 protein function with a negative predictive value of 95%. In summary, the available evidence is currently insufficient to determine the role of this variant in disease. Therefore, it has been classified as a Variant of Uncertain Significance.